The following is an entry in ClinVar:

NM_001069.3(TUBB2A):c.967A>C (p.Met323Leu)

Gene: TUBB2A (tubulin beta 2A class IIa; minus strand). Cytogenetic location: 6p25.2.
Variant type: single nucleotide variant.
Coding change: c.967A>C on transcript NM_001069.3 (MANE Select); coding-DNA position 967, A replaced by C.
Protein change: p.Met323Leu; replaces methionine 323 with leucine.
Molecular consequence: missense variant.
Genome position (GRCh38, 1-based): chr6:3,154,234, T>G on the plus strand (A>C on the coding strand, the complement: TUBB2A is on the minus strand). VCF-style: chr6-3154234-T-G. GRCh37 (hg19) VCF-style: chr6-3154468-T-G.
Other names: c.712A>C, p.Met238Leu (NM_001310315.2); short protein forms M238L, M323L.
Identifiers: ClinVar variation 1213605 (VCV001213605.4), dbSNP rs2113785156, ClinGen allele CA362591557.

ClinVar aggregate classification (germline): Likely pathogenic. Review status: criteria provided, multiple submitters, no conflicts (2 of 4 stars). 2 submissions from 2 submitters: Likely pathogenic (2). Last evaluated 2023-01-09.

Conditions:
Complex cortical dysplasia with other brain malformations 5. Identifiers: MedGen C3810407, MONDO:0014337, OMIM 615763.

Submissions (2):

Institute of Human Genetics, University of Leipzig Medical Center
Classification: Likely pathogenic for Complex cortical dysplasia with other brain malformations 5. Last evaluated: 2023-01-09. Review status: criteria provided, single submitter. Criteria: ACMG Guidelines, 2015. Collection method: clinical testing. Allele origin: de novo. Affected: yes.
Comment: This variant was identified as de novo (maternity and paternity confirmed)._x000D_ Criteria applied: PS2_MOD, PM1, PS4_SUP, PM2_SUP, PP3

GeneDx
Classification: Likely pathogenic. Last evaluated: 2019-10-11. Review status: criteria provided, single submitter. Criteria: GeneDx Variant Classification Process June 2021. Collection method: clinical testing. Allele origin: germline. Affected: yes.
Comment: Not observed in large population cohorts (Lek et al., 2016); In silico analysis, which includes protein predictors and evolutionary conservation, supports that this variant does not alter protein structure/function; Has not been previously published as pathogenic or benign to our knowledge